The following is an entry in ClinVar:

NM_017950.4(CCDC40):c.1562G>C (p.Arg521Thr)

Gene: CCDC40 (coiled-coil domain 40 molecular ruler complex subunit; plus strand). Cytogenetic location: 17q25.3.
Variant type: single nucleotide variant.
Coding change: c.1562G>C on transcript NM_017950.4 (MANE Select); coding-DNA position 1562, G replaced by C.
Protein change: p.Arg521Thr; replaces arginine 521 with threonine.
Molecular consequence: missense variant.
Genome position (GRCh38, 1-based): chr17:80,065,606, G>C. VCF-style: chr17-80065606-G-C. GRCh37 (hg19) VCF-style: chr17-78039405-G-C.
Other names: NC_000017.10:g.78039405G>C; c.1562G>C (NM_017950.3); c.1562G>C, p.Arg521Thr (NM_001243342.2); c.1562G>C, p.Ser521Thr (NM_001330508.2); short protein forms R521T, S521T.
Identifiers: ClinVar variation 4428481 (VCV004428481.2).

ClinVar aggregate classification (germline): Uncertain significance (1 of 4 stars; one submission).

Conditions:
CCDC40-related disorder. Also called: CCDC40-related condition.

gnomAD v4.1: 3 of 1,612,118 alleles (0.00019%); highest among the groups gnomAD compares: African/African-American, 0.0013%; no homozygotes.

Submissions (2):

PreventionGenetics, part of Exact Sciences
Classification: Uncertain significance for CCDC40-related condition. Last evaluated: 2026-02-03. Review status: criteria provided, single submitter. Criteria: ACMG Guidelines, 2015. Collection method: clinical testing. Allele origin: germline.
Comment: The CCDC40 c.1562G>C variant is predicted to result in the amino acid substitution p.Arg521Thr. To our knowledge, this variant has not been reported in the literature. This variant is reported in 0.0066% of alleles in individuals of African descent in gnomAD. A different variant affecting the same amino acid (p.Arg521Lys) has been reported in the homozygous state in an individual with primary ciliary dyskinesia (Shamseldin et al. 2020. PubMed ID: 32367404). At this time, the clinical significance of this variant is uncertain due to the absence of conclusive functional and genetic evidence.

Dr. Peter K. Rogan Lab, Western University
No classification provided (evidence only). Condition: Familial cancer of breast. Review status: no classification provided. Collection method: in vitro. Allele origin: not applicable. Functional consequence: retained intron. Not counted in ClinVar's aggregate classification.